The following is an entry in ClinVar:

ClinVar aggregate classification (germline): Uncertain significance (0 of 4 stars; one submission).

Conditions:
VPS13B-related disorder. Also called: VPS13B-related condition.

Submission:

PreventionGenetics, part of Exact Sciences
Classification: Uncertain significance for VPS13B-related condition. Last evaluated: 2024-09-15. Review status: no assertion criteria provided. Collection method: clinical testing. Allele origin: germline.
Comment: The VPS13B c.4520A>T variant is predicted to result in the amino acid substitution p.Gln1507Leu. To our knowledge, this variant has not been reported in the literature or in a large population database, indicating this variant is rare. At this time, the clinical significance of this variant is uncertain due to the absence of conclusive functional and genetic evidence.

NM_152564.5(VPS13B):c.4520A>T (p.Gln1507Leu)

Gene: VPS13B (vacuolar protein sorting 13 homolog B; plus strand). Cytogenetic location: 8q22.2.
Variant type: single nucleotide variant.
Coding change: c.4520A>T on transcript NM_152564.5 (MANE Select); coding-DNA position 4520, A replaced by T.
Protein change: p.Gln1507Leu; replaces glutamine 1507 with leucine.
Molecular consequence: missense variant.
Genome position (GRCh38, 1-based): chr8:99,511,399, A>T. VCF-style: chr8-99511399-A-T. GRCh37 (hg19) VCF-style: chr8-100523627-A-T.
Other names: c.4595A>T, p.Gln1532Leu (NM_017890.5); short protein forms Q1507L, Q1532L.
Identifiers: ClinVar variation 3348382 (VCV003348382.1).